The following is an entry in ClinVar:

ClinVar aggregate classification (germline): Likely benign. Review status: criteria provided, multiple submitters, no conflicts (2 of 4 stars). 2 submissions from 2 submitters: Likely benign (2). Last evaluated 2025-12-06.

Conditions:
LRP5-related disorder. Also called: LRP5-related condition.

Allele frequency attached by ClinVar (database versions not stated): TOPMed below 0.00001; gnomAD 0.00001 and 0.00002; gnomAD exomes 0.00001; ExAC 0.00002.
gnomAD v4.1: 19 of 1,611,694 alleles (0.0012%); highest among the groups gnomAD compares: South Asian, 0.0033%; no homozygotes.

Submissions (2):

Labcorp Genetics (formerly Invitae), Labcorp
Classification: Likely benign. Last evaluated: 2025-12-06. Review status: criteria provided, single submitter. Criteria: Invitae Variant Classification Sherloc (09022015). Collection method: clinical testing. Allele origin: germline.

PreventionGenetics, part of Exact Sciences
Classification: Likely benign for LRP5-related condition. Last evaluated: 2025-10-02. Review status: criteria provided, single submitter. Criteria: ACMG Guidelines, 2015. Collection method: clinical testing. Allele origin: germline.
Comment: This variant is classified as likely benign based on ACMG/AMP sequence variant interpretation guidelines (Richards et al. 2015 PMID: 25741868, with internal and published modifications).

NM_002335.4(LRP5):c.3999C>T (p.Asp1333=)

Gene: LRP5 (LDL receptor related protein 5; plus strand). Cytogenetic location: 11q13.2.
Variant type: single nucleotide variant.
Coding change: c.3999C>T on transcript NM_002335.4 (MANE Select); coding-DNA position 3999, C replaced by T.
Protein change: p.Asp1333=; no amino-acid change (aspartic acid 1333 retained).
Molecular consequence: synonymous variant.
Genome position (GRCh38, 1-based): chr11:68,433,837, C>T. VCF-style: chr11-68433837-C-T. GRCh37 (hg19) VCF-style: chr11-68201305-C-T.
Other names: c.3999C>T (NM_002335.3); c.2256C>T, p.Asp752= (NM_001291902.2).
Identifiers: ClinVar variation 1398557 (VCV001398557.9), dbSNP rs767345487, ClinGen allele CA6150181.